The following is an entry in ClinVar:

NM_139278.4(LGI3):c.170C>T (p.Ala57Val)

Gene: LGI3 (leucine rich repeat LGI family member 3; minus strand). Cytogenetic location: 8p21.3.
Variant type: single nucleotide variant.
Coding change: c.170C>T on transcript NM_139278.4 (MANE Select); coding-DNA position 170, C replaced by T.
Protein change: p.Ala57Val; replaces alanine 57 with valine.
Molecular consequence: missense variant.
Genome position (GRCh38, 1-based): chr8:22,156,373, G>A on the plus strand (C>T on the coding strand, the complement: LGI3 is on the minus strand). VCF-style: chr8-22156373-G-A. GRCh37 (hg19) VCF-style: chr8-22013886-G-A.
Other names: short protein forms A57V.
Identifiers: ClinVar variation 3371918 (VCV003371918.2).

ClinVar aggregate classification (germline): Uncertain significance. Review status: criteria provided, multiple submitters, no conflicts (2 of 4 stars). 2 submissions from 2 submitters: Uncertain significance (2). Last evaluated 2025-08-19.

gnomAD v4.1: 14 of 1,606,530 alleles (0.00087%); highest among the groups gnomAD compares: Non-Finnish European, 0.0012%; no homozygotes.

Submissions (2):

Ambry Genetics
Classification: Uncertain significance. Last evaluated: 2025-08-19. Review status: criteria provided, single submitter. Criteria: Ambry Variant Classification Scheme 2023. Collection method: clinical testing. Allele origin: germline.

GeneDx
Classification: Uncertain significance. Last evaluated: 2024-04-09. Review status: criteria provided, single submitter. Criteria: GeneDx Variant Classification Process June 2021. Collection method: clinical testing. Allele origin: germline. Affected: yes.
Comment: Not observed at significant frequency in large population cohorts (gnomAD); In silico analysis indicates that this missense variant does not alter protein structure/function; Has not been previously published as pathogenic or benign to our knowledge